The following is an entry in ClinVar:

ClinVar aggregate classification (germline): Pathogenic (1 of 4 stars; one submission).

Conditions:
Familial adenomatous polyposis 1 (FAP1). Also called: FAMILIAL ADENOMATOUS POLYPOSIS 1, ATTENUATED; POLYPOSIS, ADENOMATOUS INTESTINAL. Identifiers: MedGen C2713442, MONDO:0021056, OMIM 175100. Disease mechanism: loss of function.

Submission:

Labcorp Genetics (formerly Invitae), Labcorp
Classification: Pathogenic for Familial adenomatous polyposis 1. Last evaluated: 2016-07-11. Review status: criteria provided, single submitter. Criteria: Invitae Variant Classification Sherloc (09022015). Collection method: clinical testing. Allele origin: germline.
Comment: This sequence change deletes 7 nucleotides and inserts 3 nucleotides in exon 16 of the APC mRNA (c.4357_4363delCCTAAAAinsAAT), causing a frameshift at codon 1453. This creates a premature translational stop signal in the last exon of the APC mRNA (p.Pro1453Asnfs*19). While this is not anticipated to result in nonsense mediated decay, it is expected to result in a truncated APC protein. While this particular variant has not been reported in the literature, truncating variants in APC are known to be pathogenic (PMID: 20685668, 17963004). In addition, multiple truncating variants downstream of this truncation have been reported as pathogenic in individuals with FAP (PMID: 17064931). For these reasons, this variant has been classified as Pathogenic.

Literature cited by the submitters: PubMed 20685668; PubMed 17963004; PubMed 17064931.

NM_000038.6(APC):c.4357_4363delinsAAT (p.Pro1453fs)

Gene: APC (APC regulator of Wnt signaling pathway; plus strand). Cytogenetic location: 5q22.2.
Variant type: Indel.
Coding change: c.4357_4363delinsAAT on transcript NM_000038.6 (MANE Select); coding-DNA positions 4357 to 4363, CCTAAAA replaced by AAT.
Protein change: p.Pro1453fs; shifts the reading frame from proline 1453.
Molecular consequence: frameshift variant.
Genome position (GRCh38, 1-based): chr5:112,839,951-112,839,957, CCTAAAA replaced by AAT. VCF-style: chr5-112839951-CCTAAAA-AAT. GRCh37 (hg19) VCF-style: chr5-112175648-CCTAAAA-AAT.
Other names: c.4357_4363delinsAAT, p.Pro1453fs (NM_001127510.3, NM_001354895.2); c.4303_4309delinsAAT, p.Pro1435fs (NM_001127511.3); c.4411_4417delinsAAT, p.Pro1471fs (NM_001354896.2); c.4387_4393delinsAAT, p.Pro1463fs (NM_001354897.2); c.4282_4288delinsAAT, p.Pro1428fs (NM_001354898.2); c.4273_4279delinsAAT, p.Pro1425fs (NM_001354899.2); c.4234_4240delinsAAT, p.Pro1412fs (NM_001354900.2); c.4180_4186delinsAAT, p.Pro1394fs (NM_001354901.2); and 5 more; short protein forms P1362fs, P1412fs, P1425fs, P1394fs, P1428fs, P1453fs, P1352fs, P1463fs.
Identifiers: ClinVar variation 411529 (VCV000411529.5), dbSNP rs1064792979, ClinGen allele CA16611649.